The following is an entry in ClinVar:

NM_000113.3(TOR1A):c.904GAG[1] (p.Glu303del)

Gene: TOR1A (torsin family 1 member A; minus strand). Cytogenetic location: 9q34.11.
Variant type: Microsatellite.
Coding change: c.904GAG[1] on transcript NM_000113.3 (MANE Select); one copy of the 3-base unit GAG starting at c.904; the reference has two copies in a row; one copy, 3 bases deleted; also written c.907_909del.
Protein change: p.Glu303del; deletes glutamic acid 303.
Molecular consequence: inframe deletion.
Genome position (GRCh38, 1-based): chr9:129,814,062-129,814,064, CTC deleted on the plus strand (GAG on the coding strand, the reverse complement: TOR1A is on the minus strand); deleting any 3 consecutive bases within chr9:129,814,062-129,814,067 gives the same sequence; the position shown is the placement nearest the transcript's 3' end. VCF-style (leftmost placement, unchanged base first): chr9-129814061-TCTC-T. GRCh37 (hg19) VCF-style: chr9-132576340-TCTC-T.
Other names: E302delE; c.907_909delGAG (NM_000113.2); c.907_909del (NM_000113.3); c.904_906delGAG, p.Glu303del (NM_000113.2); short protein forms E303del.
Identifiers: ClinVar variation 5180 (VCV000005180.90), dbSNP rs80358233, ClinGen allele CA340352.

ClinVar aggregate classification (germline): Pathogenic/Likely pathogenic. Review status: criteria provided, multiple submitters, no conflicts (2 of 4 stars). 32 submissions from 31 submitters: Pathogenic (24); Likely pathogenic (1). 7 of the submissions do not count toward it. Last evaluated 2026-07-07.

Conditions:
TOR1A-related disorder. Also called: TOR1A-related disorders; TOR1A-related condition.
Arthrogryposis multiplex congenita 5. Identifiers: MedGen C5436453, MONDO:0100218, OMIM 618947.
Early-onset generalized limb-onset dystonia. Also called: Dystonia-1, torsion; Dystonia 1, modifier of; DYSTONIA MUSCULORUM DEFORMANS 1; Early onset torsion dystonia; DYT-TOR1A; DYT1 Early-Onset Primary Dystonia. Identifiers: Orphanet 256, MedGen C1851945, MONDO:0007492, OMIM 128100.
Inborn genetic diseases. Identifiers: MedGen C0950123, MeSH D030342.
Dystonic disorder. Also called: Dystonia. Identifiers: MedGen C0013421, MONDO:0003441, HP:0001332.

Submissions 1 to 8 of 32:

Medgenome Labs Ltd
Classification: Pathogenic for Early-onset generalized limb-onset dystonia. Last evaluated: 2026-07-07. Review status: criteria provided, single submitter. Criteria: ACMG Guidelines, 2015. Collection method: clinical testing. Allele origin: germline. Affected: yes.

CeGaT Center for Human Genetics Tuebingen
Classification: Pathogenic. Last evaluated: 2026-05-01. Review status: criteria provided, single submitter. Criteria: CeGaT Center For Human Genetics Tuebingen Variant Classification Criteria Version 2. Collection method: clinical testing. Allele origin: germline. Affected: yes. Observed: 16 variant alleles.
Comment: TOR1A: PM6:Strong, PP1:Strong, PM4:Supporting, PS3:Supporting

Ambry Genetics
Classification: Pathogenic for Inborn genetic diseases. Last evaluated: 2026-03-29. Review status: criteria provided, single submitter. Criteria: Ambry Variant Classification Scheme 2023. Collection method: clinical testing. Allele origin: germline.
Comment: The c.907_909delGAG (p.E303del) variant, located in exon 5 (coding exon 5) of the TOR1A gene, results from an in-frame deletion of 3 nucleotides at positions 907 to 909. This results in the deletion of a glutamic acid residue at codon 303. Based on data from gnomAD, the variant has an overall frequency of 0.011% (30/282878) total alleles studied. The highest observed frequency was 0.154% (16/10370) of Ashkenazi Jewish alleles. This alteration is the most common pathogenic variant known to cause early onset generalized dystonia, accounting for approximately 70% of patients (reviewed in Grundmann, 2003). Rarely, patients heterozygous for this alteration present with other forms of dystonia with variable progression (Grundmann, 2003; Wong, 2005). Variability within the same family has been described and disease penetrance is estimated to be 30-40% (Ozelius, 1993; Ozelius, 1997; Grundmann, 2003). In addition, this alteration was reported in the homozygous state two unrelated Iranian individuals with congenital arthrogryposis, tremor, strabismus, and variable developmental delay/intellectual disability (Kariminejad, 2017). This amino acid position is well conserved in available vertebrate species. Functional and structural studies demonstrate that this variant results in weakened and defective protein function (Zhao, 2013; Demircioglu, 2016). This alteration is predicted to be deleterious by in silico analysis (Choi, 2012). Based on the available evidence, this alteration is classified as pathogenic.

Victorian Clinical Genetics Services, Murdoch Childrens Research Institute
Classification: Pathogenic for Early-onset generalized limb-onset dystonia. Last evaluated: 2026-03-16. Review status: criteria provided, single submitter. Criteria: ACMG Guidelines, 2015. Collection method: clinical testing. Allele origin: germline. Affected: yes.
Comment: This variant is classified as Pathogenic. Evidence in support of pathogenic classification: In-frame deletion in a non-repetitive region that has high conservation; Variant is present in gnomAD <0.01 (v4: 84 heterozygote(s), 0 homozygote(s)); This variant has strong previous evidence of pathogenicity in unrelated individuals. This variant has been classified as pathogenic by multiple clinical laboratories in ClinVar. Additional information: This variant is heterozygous; This gene is associated with both recessive and dominant disease. Arthrogryposis multiplex congenita 5 (MIM#618947) is associated with autosomal recessive inheritance. Dystonia-1, torsion (MIM#128100) is associated with autosomal dominant inheritance; Variant is located in the annotated torsin-1A, C-terminal domain (DECIPHER); Loss of function is a known mechanism of disease in this gene and is associated with autosomal recessive arthrogryposis multiplex congenita 5 (MIM#618947). The mechanism of disease for autosomal dominant dystonia-1, torsion (MIM#128100) is not clearly established; The condition associated with this gene has incomplete penetrance. Incomplete penetrance has been reported as low as 30% for dystonia-1, torsion (MIM#128100) (OMIM). - Variants in this gene are known to have variable expressivity. Wide phenotypic variability is associated with dystonia-1, torsion (MIM#128100) (OMIM). - Inheritance information for this variant is not currently available in this individual.

Labcorp Genetics (formerly Invitae), Labcorp
Classification: Pathogenic for Dystonic disorder. Last evaluated: 2026-01-21. Review status: criteria provided, single submitter. Criteria: Invitae Variant Classification Sherloc (09022015). Collection method: clinical testing. Allele origin: germline.
Comment: This variant, c.907_909del, results in the deletion of 1 amino acid(s) of the TOR1A protein (p.Glu303del), but otherwise preserves the integrity of the reading frame. This variant is present in population databases (rs724159981, gnomAD 0.2%). This variant has been observed in individual(s) with autosomal dominant early onset primary dystonia (PMID: 9288096, 9874484, 11973627, 12481989, 20301665, 24930953, 24931141). In at least one individual the variant was observed to be de novo. ClinVar contains an entry for this variant (Variation ID: 5180). Algorithms developed to predict the effect of variants on gene product structure and function are not available or were not evaluated for this variant. Experimental studies have shown that this variant affects TOR1A function (PMID: 18940237, 19339278, 19651773, 24930953, 24931141). For these reasons, this variant has been classified as Pathogenic.

3billion
Classification: Pathogenic for Early-onset generalized limb-onset dystonia. Last evaluated: 2025-12-19. Review status: criteria provided, single submitter. Criteria: ACMG Guidelines, 2015. Collection method: clinical testing. Allele origin: germline. Affected: yes.
Comment: The variant is observed in the gnomAD v4.1.0 dataset (total allele frequency: 0.005%). Predicted Consequence/Location: Inframe deletion located in a nonrepeat region: predicted to change the length of the protein and disrupt normal protein function. Functional studies provide strong evidence of the variant having a damaging effect on the gene or gene product (PMID: 24930953). The variant has been previously reported as de novo in at least two similarly affected unrelated individuals (PMID: 11973627, 9618171). The variant has been reported at least twice as pathogenic with clinical assertions and evidence for the classification (ClinVar ID: VCV000005180 /PMID: 9288096 /3billion dataset). Therefore, this variant is classified as Pathogenic according to the recommendation of ACMG/AMP guideline.

PreventionGenetics, part of Exact Sciences
Classification: Pathogenic for TOR1A-related condition. Last evaluated: 2025-07-09. Review status: criteria provided, single submitter. Criteria: ACMG Guidelines, 2015. Collection method: clinical testing. Allele origin: germline.
Comment: The TOR1A c.907_909delGAG variant is predicted to result in an in-frame deletion (p.Glu303del). This variant is well documented as causative for autosomal dominant torsion dystonia type one (DYT1), and functional studies support its pathogenicity (Gordon and Gonzalez-Alegre. 2008. PubMed ID: 18940237; Hettich et al. 2014. PubMed ID: 24930953; Ozelius et al. 1997. PubMed ID: 9288096). In addition, this variant in the homozygous state is associated with arthrogryposis, developmental delay, strabismus, and tremor (Kariminejad et al., 2017. PubMed ID: 29053766; Saffari et al., 2023. PubMed ID: 36757831). This variant is reported in 0.15% of alleles in individuals of Ashkenazi Jewish descent in gnomAD and has been interpreted as pathogenic/likely pathogenic in ClinVar. Variable expressivity and incomplete penetrance are documented for this variant (Ozelius et al. 1993. PubMed ID: 20301665). This variant is classified as pathogenic.

Foundation for Research in Genetics and Endocrinology, FRIGE's Institute of Human Genetics
Classification: Pathogenic for Early-onset generalized limb-onset dystonia. Last evaluated: 2025-04-09. Review status: criteria provided, single submitter. Criteria: ACMG Guidelines, 2015. Collection method: clinical testing. Allele origin: germline. Inheritance: Autosomal dominant inheritance. Affected: yes. Observed: 1 heterozygote.
Comment: A heterozygous three base pair deletion in exon 5 of the TOR1A gene (chr9:g.129814065_129814067del; Depth:97x) that results in the deletion of amino acid Glutamate at codon 303. This variant has previously been reported in patients affected with primary torsion dystonia, functional assays and in-vivo animal models demonstrated that this deletion affects the function of the protein (PMID: 24930953). This variant has not been reported in the 1000 genomes but has a MAF of 0.005% in the gnomAD database. The in silico prediction of the variant are possibly damaging by MutationTaster2. In summary, the variant meets our criteria to be classified as pathogenic